The following is an entry in ClinVar:

NM_004006.3(DMD):c.4870C>T (p.Gln1624Ter)

Gene: DMD (dystrophin; minus strand). Cytogenetic location: Xp21.1.
Variant type: single nucleotide variant.
Coding change: c.4870C>T on transcript NM_004006.3 (MANE Select); coding-DNA position 4870, C replaced by T.
Protein change: p.Gln1624Ter; replaces glutamine 1624 with a stop codon.
Molecular consequence: nonsense.
Genome position (GRCh38, 1-based): chrX:32,365,175, G>A on the plus strand (C>T on the coding strand, the complement: DMD is on the minus strand). VCF-style: chrX-32365175-G-A. GRCh37 (hg19) VCF-style: chrX-32383292-G-A.
Other names: c.4846C>T, p.Gln1616Ter (NM_000109.4); c.4858C>T, p.Gln1620Ter (NM_004009.3); c.4501C>T, p.Gln1501Ter (NM_004010.3); c.847C>T, p.Gln283Ter (NM_004011.4); c.838C>T, p.Gln280Ter (NM_004012.4); short protein forms Q1624*, Q280*, Q1616*, Q283*, Q1620*, Q1501*.
Identifiers: ClinVar variation 239606 (VCV000239606.15), dbSNP rs762250680, ClinGen allele CA10583946.

ClinVar aggregate classification (germline): Pathogenic. Review status: criteria provided, multiple submitters, no conflicts (2 of 4 stars). 3 submissions from 3 submitters: Pathogenic (3). Last evaluated 2024-04-26.

Conditions:
Duchenne muscular dystrophy (DMD). Also called: Duchenne Muscular Dystrophy (DMD); MUSCULAR DYSTROPHY, PSEUDOHYPERTROPHIC PROGRESSIVE, DUCHENNE TYPE. Identifiers: Orphanet 98896, MedGen C0013264, MONDO:0010679, OMIM 310200.

Submissions (3):

Labcorp Genetics (formerly Invitae), Labcorp
Classification: Pathogenic for Duchenne muscular dystrophy. Last evaluated: 2024-04-26. Review status: criteria provided, single submitter. Criteria: Invitae Variant Classification Sherloc (09022015). Collection method: clinical testing. Allele origin: germline.
Comment: This sequence change creates a premature translational stop signal (p.Gln1624*) in the DMD gene. It is expected to result in an absent or disrupted protein product. Loss-of-function variants in DMD are known to be pathogenic (PMID: 16770791, 25007885). This variant is not present in population databases (gnomAD no frequency). This premature translational stop signal has been observed in individuals with Duchenne muscular dystrophy (PMID: 11524473, 15643612, 19937601, 26743743). ClinVar contains an entry for this variant (Variation ID: 239606). For these reasons, this variant has been classified as Pathogenic.

GeneDx
Classification: Pathogenic. Last evaluated: 2018-02-06. Review status: criteria provided, single submitter. Criteria: GeneDx Variant Classification (06012015). Collection method: clinical testing. Allele origin: germline. Affected: yes.
Comment: The Q1624X pathogenic variant has been reported previously in association with dystrophinopathy (Mendell et al., 2001; Buzin et al., 2005; Kim et al., 2016). This variant is predicted to cause loss of normal protein function either through protein truncation or nonsense-mediated mRNA decay. It was not observed in approximately 6,500 individuals of European and African American ancestry in the NHLBI Exome Sequencing Project, indicating it is not a common benign variant in these populations. Therefore, the presence of the Q1624X pathogenic variant is consistent with a diagnosis of a dystrophinopathy.

Eurofins Ntd Llc (ga)
Classification: Pathogenic. Last evaluated: 2016-05-18. Review status: criteria provided, single submitter. Criteria: EGL Classification Definitions 2015. Collection method: clinical testing. Allele origin: germline. Observed: 1 variant allele, 1 hemizygote.

Literature cited by the submitters: PubMed 16770791 (cited by Labcorp Genetics (formerly Invitae), Labcorp); PubMed 25007885 (cited by Labcorp Genetics (formerly Invitae), Labcorp); PubMed 11524473 (cited by Labcorp Genetics (formerly Invitae), Labcorp and Eurofins Ntd Llc (ga)); PubMed 15643612 (cited by Labcorp Genetics (formerly Invitae), Labcorp); PubMed 19937601 (cited by Labcorp Genetics (formerly Invitae), Labcorp and Eurofins Ntd Llc (ga)); PubMed 26743743 (cited by Labcorp Genetics (formerly Invitae), Labcorp).